The following is an entry in ClinVar:

NM_017649.5(CNNM2):c.137G>A (p.Gly46Glu)

Gene: CNNM2 (cyclin and CBS domain divalent metal cation transport mediator 2; plus strand). Cytogenetic location: 10q24.32.
Variant type: single nucleotide variant.
Coding change: c.137G>A on transcript NM_017649.5 (MANE Select); coding-DNA position 137, G replaced by A.
Protein change: p.Gly46Glu; replaces glycine 46 with glutamic acid.
Molecular consequence: missense variant.
Genome position (GRCh38, 1-based): chr10:102,918,617, G>A. VCF-style: chr10-102918617-G-A. GRCh37 (hg19) VCF-style: chr10-104678374-G-A.
Other names: c.137G>A, p.Gly46Glu (NM_199076.3, NM_199077.3); short protein forms G46E.
Identifiers: ClinVar variation 3677236 (VCV003677236.2).

ClinVar aggregate classification (germline): Uncertain significance (1 of 4 stars; one submission).

gnomAD v4.1: 1 of 1,546,344 alleles (0.000065%); highest among the groups gnomAD compares: East Asian, 0.0025%; no homozygotes.

Submission:

Labcorp Genetics (formerly Invitae), Labcorp
Classification: Uncertain significance. Last evaluated: 2024-11-18. Review status: criteria provided, single submitter. Criteria: Invitae Variant Classification Sherloc (09022015). Collection method: clinical testing. Allele origin: germline.
Comment: This sequence change replaces glycine, which is neutral and non-polar, with glutamic acid, which is acidic and polar, at codon 46 of the CNNM2 protein (p.Gly46Glu). This variant is present in population databases (no rsID available, gnomAD 0.01%). This variant has not been reported in the literature in individuals affected with CNNM2-related conditions. An algorithm developed to predict the effect of missense changes on protein structure and function outputs the following: PolyPhen-2: "Probably Damaging". The glutamic acid amino acid residue is found in multiple mammalian species, which suggests that this missense change does not adversely affect protein function. In summary, the available evidence is currently insufficient to determine the role of this variant in disease. Therefore, it has been classified as a Variant of Uncertain Significance.